The following is an entry in ClinVar:

NM_030662.4(MAP2K2):c.646A>G (p.Ser216Gly)

Gene: MAP2K2 (mitogen-activated protein kinase kinase 2; minus strand). Cytogenetic location: 19p13.3.
Variant type: single nucleotide variant.
Coding change: c.646A>G on transcript NM_030662.4 (MANE Select); coding-DNA position 646, A replaced by G.
Protein change: p.Ser216Gly; replaces serine 216 with glycine.
Molecular consequence: missense variant.
Genome position (GRCh38, 1-based): chr19:4,101,078, T>C on the plus strand (A>G on the coding strand, the complement: MAP2K2 is on the minus strand). VCF-style: chr19-4101078-T-C. GRCh37 (hg19) VCF-style: chr19-4101076-T-C.
Other names: short protein forms S216G.
Identifiers: ClinVar variation 3542708 (VCV003542708.1).

ClinVar aggregate classification (germline): Uncertain significance (1 of 4 stars; one submission).

Conditions:
Cardiovascular phenotype. Identifiers: MedGen CN230736.

Submission:

Ambry Genetics
Classification: Uncertain significance for Cardiovascular phenotype. Last evaluated: 2024-12-09. Review status: criteria provided, single submitter. Criteria: Ambry Variant Classification Scheme 2023. Collection method: clinical testing. Allele origin: germline.
Comment: The p.S216G variant (also known as c.646A>G), located in coding exon 6 of the MAP2K2 gene, results from an A to G substitution at nucleotide position 646. The serine at codon 216 is replaced by glycine, an amino acid with similar properties. This amino acid position is conserved. In addition, this alteration is predicted to be deleterious by in silico analysis. Based on the available evidence, the clinical significance of this variant remains unclear.